The following is an entry in ClinVar:

NM_001165967.2(HES7):c.382C>T (p.His128Tyr)

Gene: HES7 (hes family bHLH transcription factor 7; minus strand). Cytogenetic location: 17p13.1.
Variant type: single nucleotide variant.
Coding change: c.382C>T on transcript NM_001165967.2 (MANE Select); coding-DNA position 382, C replaced by T.
Protein change: p.His128Tyr; replaces histidine 128 with tyrosine.
Molecular consequence: missense variant.
Genome position (GRCh38, 1-based): chr17:8,121,882, G>A on the plus strand (C>T on the coding strand, the complement: HES7 is on the minus strand). VCF-style: chr17-8121882-G-A. GRCh37 (hg19) VCF-style: chr17-8025200-G-A.
Other names: c.367C>T, p.His123Tyr (NM_032580.4); short protein forms H128Y, H123Y.
Identifiers: ClinVar variation 4982624 (VCV004982624.1).

ClinVar aggregate classification (germline): Uncertain significance (1 of 4 stars; one submission).

Conditions:
HES7-related disorder. Also called: HES7-related condition.

gnomAD v4.1: 1 of 1,572,902 alleles (0.000064%); highest among the groups gnomAD compares: South Asian, 0.0011%; no homozygotes.

Submission:

PreventionGenetics, part of Exact Sciences
Classification: Uncertain significance for HES7-related condition. Last evaluated: 2026-08-19. Review status: criteria provided, single submitter. Criteria: ACMG Guidelines, 2015. Collection method: clinical testing. Allele origin: germline.
Comment: The HES7 c.367C>T variant is predicted to result in the amino acid substitution p.His123Tyr. To our knowledge, this variant has not been reported in the literature. This variant is reported in 0.0036% of alleles in individuals of South Asian descent in gnomAD. At this time, the clinical significance of this variant is uncertain due to the absence of conclusive functional and genetic evidence.